The following is an entry in ClinVar:

ClinVar aggregate classification (germline): Uncertain significance (1 of 4 stars; one submission).

Submission:

Labcorp Genetics (formerly Invitae), Labcorp
Classification: Uncertain significance. Last evaluated: 2024-12-25. Review status: criteria provided, single submitter. Criteria: Invitae Variant Classification Sherloc (09022015). Collection method: clinical testing. Allele origin: germline.
Comment: This sequence change affects an acceptor splice site in intron 28 of the POLE gene. It is expected to disrupt RNA splicing. Variants that disrupt the donor or acceptor splice site typically lead to a loss of protein function (PMID: 16199547), and loss-of-function variants in POLE are known to be pathogenic (PMID: 23230001, 25948378, 30503519). This variant is not present in population databases (gnomAD no frequency). This variant has not been reported in the literature in individuals affected with POLE-related conditions. Studies have shown that disruption of this splice site is associated with altered splicing resulting in multiple RNA products (internal data). In summary, the available evidence is currently insufficient to determine the role of this variant in disease. Therefore, it has been classified as a Variant of Uncertain Significance.

Literature cited by the submitters: PubMed 16199547; PubMed 23230001; PubMed 25948378; PubMed 30503519.

NM_006231.4(POLE):c.3460-1G>A

Gene: POLE (DNA polymerase epsilon, catalytic subunit; minus strand). Cytogenetic location: 12q24.33.
Variant type: single nucleotide variant.
Coding change: c.3460-1G>A on transcript NM_006231.4 (MANE Select); the canonical splice acceptor site of the intron before coding-DNA position 3460, G replaced by A.
Molecular consequence: splice acceptor variant.
Genome position (GRCh38, 1-based): chr12:132,657,259, C>T on the plus strand (G>A on the coding strand, the complement: POLE is on the minus strand). VCF-style: chr12-132657259-C-T. GRCh37 (hg19) VCF-style: chr12-133233845-C-T.
Identifiers: ClinVar variation 3702821 (VCV003702821.2).